The following is an entry in ClinVar:

NM_198578.4(LRRK2):c.1963A>G (p.Ile655Val)

Gene: LRRK2 (leucine rich repeat kinase 2; plus strand). Cytogenetic location: 12q12.
Variant type: single nucleotide variant.
Coding change: c.1963A>G on transcript NM_198578.4 (MANE Select); coding-DNA position 1963, A replaced by G.
Protein change: p.Ile655Val; replaces isoleucine 655 with valine.
Molecular consequence: missense variant.
Genome position (GRCh38, 1-based): chr12:40,277,909, A>G. VCF-style: chr12-40277909-A-G. GRCh37 (hg19) VCF-style: chr12-40671711-A-G.
Other names: short protein forms I655V.
Identifiers: ClinVar variation 2587281 (VCV002587281.2), dbSNP rs2499637229, ClinGen allele CA384404396.

ClinVar aggregate classification (germline): Uncertain significance (1 of 4 stars; one submission).

Conditions:
Inborn genetic diseases. Identifiers: MedGen C0950123, MeSH D030342.

Submission:

Ambry Genetics
Classification: Uncertain significance for Inborn genetic diseases. Last evaluated: 2023-07-30. Review status: criteria provided, single submitter. Criteria: Ambry Variant Classification Scheme 2023. Collection method: clinical testing. Allele origin: germline.
Comment: The p.I655V variant (also known as c.1963A>G), located in coding exon 17 of the LRRK2 gene, results from an A to G substitution at nucleotide position 1963. The isoleucine at codon 655 is replaced by valine, an amino acid with highly similar properties. This amino acid position is conserved. In addition, this alteration is predicted to be tolerated by in silico analysis. Since supporting evidence is limited at this time, the clinical significance of this alteration remains unclear.